The following is an entry in ClinVar:

NM_002769.5(PRSS1):c.548T>C (p.Met183Thr)

Genes: TRB (T cell receptor beta locus; plus strand), PRSS1 (serine protease 1; plus strand). Cytogenetic location: 7q34.
Variant type: single nucleotide variant.
Coding change: c.548T>C on transcript NM_002769.5 (MANE Select); coding-DNA position 548, T replaced by C.
Protein change: p.Met183Thr; replaces methionine 183 with threonine.
Molecular consequence: missense variant.
Genome position (GRCh38, 1-based): chr7:142,752,524, T>C. VCF-style: chr7-142752524-T-C. GRCh37 (hg19) VCF-style: chr7-142460375-T-C.
Other names: short protein forms M183T.
Identifiers: ClinVar variation 1004597 (VCV001004597.13), dbSNP rs762123204, ClinGen allele CA4530058.

ClinVar aggregate classification (germline): Uncertain significance. Review status: criteria provided, multiple submitters, no conflicts (2 of 4 stars). 2 submissions from 2 submitters: Uncertain significance (2). Last evaluated 2025-10-24.

Conditions:
Hereditary pancreatitis (PCTT). Also called: Hereditary chronic pancreatitis; PRSS1-Related Hereditary Pancreatitis. Identifiers: Orphanet 676, MedGen C0238339, MONDO:0008185, OMIM 167800.

Allele frequency attached by ClinVar (database versions not stated): gnomAD 0.00001; ExAC 0.00002; gnomAD exomes 0.00004.

Submissions (2):

Labcorp Genetics (formerly Invitae), Labcorp
Classification: Uncertain significance for Hereditary pancreatitis. Last evaluated: 2025-10-24. Review status: criteria provided, single submitter. Criteria: Invitae Variant Classification Sherloc (09022015). Collection method: clinical testing. Allele origin: germline.
Comment: This sequence change replaces methionine, which is neutral and non-polar, with threonine, which is neutral and polar, at codon 183 of the PRSS1 protein (p.Met183Thr). The frequency data for this variant in the population databases is considered unreliable, as metrics indicate poor data quality at this position in the gnomAD database. This variant has not been reported in the literature in individuals affected with PRSS1-related conditions. ClinVar contains an entry for this variant (Variation ID: 1004597). Invitae Evidence Modeling of protein sequence and biophysical properties (such as structural, functional, and spatial information, amino acid conservation, physicochemical variation, residue mobility, and thermodynamic stability) has been performed for this missense variant. However, the output from this modeling did not meet the statistical confidence thresholds required to predict the impact of this variant on PRSS1 protein function. In summary, the available evidence is currently insufficient to determine the role of this variant in disease. Therefore, it has been classified as a Variant of Uncertain Significance.

Ambry Genetics
Classification: Uncertain significance for Hereditary pancreatitis. Last evaluated: 2025-04-28. Review status: criteria provided, single submitter. Criteria: Ambry Variant Classification Scheme 2023. Collection method: clinical testing. Allele origin: germline.
Comment: The p.M183T variant (also known as c.548T>C), located in coding exon 4 of the PRSS1 gene, results from a T to C substitution at nucleotide position 548. The methionine at codon 183 is replaced by threonine, an amino acid with similar properties. This amino acid position is highly conserved in available vertebrate species. In addition, this alteration is predicted to be deleterious by in silico analysis. Since supporting evidence is limited at this time, the clinical significance of this alteration remains unclear.